The following is an entry in ClinVar:

NM_182920.2(ADAMTS9):c.2475T>C (p.Ala825=)

Gene: ADAMTS9 (ADAM metallopeptidase with thrombospondin type 1 motif 9; minus strand). Cytogenetic location: 3p14.1.
Variant type: single nucleotide variant.
Coding change: c.2475T>C on transcript NM_182920.2 (MANE Select); coding-DNA position 2475, T replaced by C.
Protein change: p.Ala825=; no amino-acid change (alanine 825 retained).
Molecular consequence: synonymous variant.
Genome position (GRCh38, 1-based): chr3:64,622,501, A>G on the plus strand (T>C on the coding strand, the complement: ADAMTS9 is on the minus strand). VCF-style: chr3-64622501-A-G. GRCh37 (hg19) VCF-style: chr3-64608177-A-G.
Other names: c.2391T>C, p.Ala797= (NM_001318781.2).
Identifiers: ClinVar variation 2653948 (VCV002653948.24), dbSNP rs1576128192, ClinGen allele CA433961934.

ClinVar aggregate classification (germline): Likely benign (1 of 4 stars; one submission).

Allele frequency attached by ClinVar (database versions not stated): gnomAD exomes 0.00001.
gnomAD v4.1: 3 of 1,614,170 alleles (0.00019%); highest among the groups gnomAD compares: Admixed American, 0.0017%; no homozygotes.

Submission:

CeGaT Center for Human Genetics Tuebingen
Classification: Likely benign. Last evaluated: 2022-12-01. Review status: criteria provided, single submitter. Criteria: CeGaT Center For Human Genetics Tuebingen Variant Classification Criteria Version 2. Collection method: clinical testing. Allele origin: germline. Affected: yes. Observed: 1 variant allele.
Comment: ADAMTS9: PM2:Supporting, BP4, BP7